The following is an entry in ClinVar:

ClinVar aggregate classification (germline): Uncertain significance (1 of 4 stars; one submission).

Allele frequency attached by ClinVar (database versions not stated): gnomAD 0.00001; TOPMed 0.00001.
gnomAD v4.1: 11 of 1,613,786 alleles (0.00068%); highest among the groups gnomAD compares: Middle Eastern, 0.016%; no homozygotes.

Submission:

Labcorp Genetics (formerly Invitae), Labcorp
Classification: Uncertain significance. Last evaluated: 2022-11-24. Review status: criteria provided, single submitter. Criteria: Invitae Variant Classification Sherloc (09022015). Collection method: clinical testing. Allele origin: germline.
Comment: This sequence change replaces alanine, which is neutral and non-polar, with threonine, which is neutral and polar, at codon 1025 of the CYFIP2 protein (p.Ala1025Thr). This variant has not been reported in the literature in individuals affected with CYFIP2-related conditions. Algorithms developed to predict the effect of missense changes on protein structure and function are either unavailable or do not agree on the potential impact of this missense change (SIFT: "Deleterious"; PolyPhen-2: "Not Available"; Align-GVGD: "Class C55"). In summary, the available evidence is currently insufficient to determine the role of this variant in disease. Therefore, it has been classified as a Variant of Uncertain Significance. This variant is present in population databases (rs753824205, gnomAD 0.006%).

NM_001037333.3(CYFIP2):c.3073G>A (p.Ala1025Thr)

Genes: CYFIP2 (cytoplasmic FMR1 interacting protein 2; plus strand), NIPAL4-DT (NIPAL4 divergent transcript; minus strand). Cytogenetic location: 5q33.3.
Variant type: single nucleotide variant.
Coding change: c.3073G>A on transcript NM_001037333.3 (MANE Select); coding-DNA position 3073, G replaced by A.
Protein change: p.Ala1025Thr; replaces alanine 1025 with threonine.
Molecular consequence: missense variant.
Genome position (GRCh38, 1-based): chr5:157,382,623, G>A. VCF-style: chr5-157382623-G-A. GRCh37 (hg19) VCF-style: chr5-156809631-G-A.
Other names: c.2995G>A, p.Ala999Thr (NM_001291721.2); c.3148G>A, p.Ala1050Thr (NM_001291722.2); c.3073G>A, p.Ala1025Thr (NM_014376.4); short protein forms A1050T, A1025T, A999T.
Identifiers: ClinVar variation 3005963 (VCV003005963.3), dbSNP rs753824205, ClinGen allele CA3534230.
Genomic context (GRCh38, chr5:157,382,623, plus strand): 5'-TCTCTTTCTTTACCCCCATCTCTGCAGTCTCAGGAGGAGGTCTGCGATTTGCTCCATGCC[G>A]CACCCTTCCAAAACATCTTGCCTAGAGTCTACATCAAAGGTAAGAAACCACTACAGCAGC-3'
Protein context (NP_001032410.1, residues 1015-1035): QEEVCDLLHA[Ala1025Thr]PFQNILPRVY